The following is an entry in ClinVar:

NM_001127222.2(CACNA1A):c.4590+6A>G

Gene: CACNA1A (calcium voltage-gated channel subunit alpha1 A; minus strand). Cytogenetic location: 19p13.13.
Variant type: single nucleotide variant.
Coding change: c.4590+6A>G on transcript NM_001127222.2 (MANE Select); 6 bases into the intron after coding-DNA position 4590, A replaced by G.
Molecular consequence: intron variant.
Genome position (GRCh38, 1-based): chr19:13,257,344, T>C on the plus strand (A>G on the coding strand, the complement: CACNA1A is on the minus strand). VCF-style: chr19-13257344-T-C. GRCh37 (hg19) VCF-style: chr19-13368158-T-C.
Other names: c.4593+6A>G (NM_001127221.2, NM_001174080.2); c.4602+6A>G (NM_000068.4, NM_023035.3).
Identifiers: ClinVar variation 2928525 (VCV002928525.3), dbSNP rs1182196765, ClinGen allele CA783415188.

ClinVar aggregate classification (germline): Uncertain significance (1 of 4 stars; one submission).

Conditions:
Developmental and epileptic encephalopathy, 42 (DEE42A). Also called: DEVELOPMENTAL AND EPILEPTIC ENCEPHALOPATHY 42A; EPILEPTIC ENCEPHALOPATHY, EARLY INFANTILE, 42A; Epileptic encephalopathy, early infantile, 42. Identifiers: MedGen C4310716, MONDO:0014917, OMIM 617106.
Episodic ataxia type 2 (EA2). Also called: ACETAZOLAMIDE-RESPONSIVE HEREDITARY PAROXYSMAL CEREBELLAR ATAXIA; ATAXIA, EPISODIC, WITH NYSTAGMUS; ATAXIA, FAMILIAL PAROXYSMAL; CEREBELLAR ATAXIA, PAROXYSMAL, ACETAZOLAMIDE-RESPONSIVE; CEREBELLOPATHY, HEREDITARY PAROXYSMAL; EPISODIC ATAXIA, NYSTAGMUS-ASSOCIATED. Identifiers: Orphanet 97, MedGen C1720416, MONDO:0007163, OMIM 108500.

Allele frequency attached by ClinVar (database versions not stated): gnomAD exomes below 0.00001; TOPMed below 0.00001; gnomAD 0.00001.
gnomAD v4.1: 8 of 1,611,736 alleles (0.0005%); highest among the groups gnomAD compares: Middle Eastern, 0.016%; no homozygotes.

Submission:

Labcorp Genetics (formerly Invitae), Labcorp
Classification: Uncertain significance for Developmental and epileptic encephalopathy, 42; Episodic ataxia type 2. Last evaluated: 2025-04-14. Review status: criteria provided, single submitter. Criteria: Invitae Variant Classification Sherloc (09022015). Collection method: clinical testing. Allele origin: germline.
Comment: This sequence change falls in intron 28 of the CACNA1A gene. It does not directly change the encoded amino acid sequence of the CACNA1A protein. It affects a nucleotide within the consensus splice site. This variant is not present in population databases (gnomAD no frequency). This variant has not been reported in the literature in individuals affected with CACNA1A-related conditions. ClinVar contains an entry for this variant (Variation ID: 2928525). Variants that disrupt the consensus splice site are a relatively common cause of aberrant splicing (PMID: 17576681, 9536098). Algorithms developed to predict the effect of sequence changes on RNA splicing suggest that this variant is not likely to affect RNA splicing. In summary, the available evidence is currently insufficient to determine the role of this variant in disease. Therefore, it has been classified as a Variant of Uncertain Significance.

Literature cited by the submitters: PubMed 17576681; PubMed 9536098.